The following is an entry in ClinVar:

ClinVar aggregate classification (germline): Likely pathogenic (1 of 4 stars; one submission).

Conditions:
Otofaciocervical syndrome 2 (OTFCS2). Also called: OTOFACIOCERVICAL SYNDROME 2, WITH T-CELL DEFICIENCY. Identifiers: MedGen C5442121, MONDO:0014254, OMIM 615560.

Submission:

Regional Center For Medical Genetics Timis, Louis Turcanu Emergency Hospital for Children Timisoara
Classification: Likely pathogenic for Otofaciocervical syndrome 2. Last evaluated: 2025-07-16. Review status: criteria provided, single submitter. Criteria: ACMG Guidelines, 2015. Collection method: clinical testing. Allele origin: germline. Affected: yes.
Comment: The variant is absent from the presumed healthy population (gnomAD v4.1.0; good local coverage). It introduces a premature stop codon, predicted to result in loss of function. Loss-of-function variants in PAX1 are a known disease mechanism. To our knowledge, this variant has not been previously reported in the literature. Based on the available evidence, this variant is classified as likely pathogenic.

NM_001257096.2(PAX1):c.703G>T (p.Glu235Ter)

Gene: PAX1 (paired box 1; plus strand). Cytogenetic location: 20p11.22.
Variant type: single nucleotide variant.
Coding change: c.703G>T on transcript NM_001257096.2 (MANE Select); coding-DNA position 703, G replaced by T.
Protein change: p.Glu235Ter; replaces glutamic acid 235 with a stop codon.
Molecular consequence: nonsense.
Genome position (GRCh38, 1-based): chr20:21,706,854, G>T. VCF-style: chr20-21706854-G-T. GRCh37 (hg19) VCF-style: chr20-21687492-G-T.
Other names: c.703G>T, p.Glu235Ter (NM_006192.5); short protein forms E235*.
Identifiers: ClinVar variation 4526646 (VCV004526646.1).